The following is an entry in ClinVar:

NM_020247.5(COQ8A):c.1914C>T (p.Ser638=)

Gene: COQ8A (coenzyme Q8A; plus strand). Cytogenetic location: 1q42.13.
Variant type: single nucleotide variant.
Coding change: c.1914C>T on transcript NM_020247.5 (MANE Select); coding-DNA position 1914, C replaced by T.
Protein change: p.Ser638=; no amino-acid change (serine 638 retained).
Molecular consequence: synonymous variant.
Genome position (GRCh38, 1-based): chr1:226,986,707, C>T. VCF-style: chr1-226986707-C-T. GRCh37 (hg19) VCF-style: chr1-227174408-C-T.
Other names: p.S638S:AGC>AGT; p.Ser638=.
Identifiers: ClinVar variation 214036 (VCV000214036.19), dbSNP rs56043893, ClinGen allele CA322944.

ClinVar aggregate classification (germline): Benign. Review status: criteria provided, multiple submitters, no conflicts (2 of 4 stars). 5 submissions from 5 submitters: Benign (5). Last evaluated 2026-01-25.

Conditions:
Autosomal recessive ataxia due to ubiquinone deficiency. Also called: SPINOCEREBELLAR ATAXIA, AUTOSOMAL RECESSIVE 9; Coenzyme Q10 deficiency, primary, 4. Identifiers: Orphanet 139485, MedGen C2677589, MONDO:0012784, OMIM 612016.

Allele frequency attached by ClinVar (database versions not stated): ESP Exome Variant Server 0.00031; gnomAD 0.00141 and 0.00260; TOPMed 0.00241; gnomAD exomes 0.00682; ExAC 0.00686; 1000 Genomes Project 30x 0.01437; 1000 Genomes Project 0.01617.

Submissions (5):

Labcorp Genetics (formerly Invitae), Labcorp
Classification: Benign. Last evaluated: 2026-01-25. Review status: criteria provided, single submitter. Criteria: Invitae Variant Classification Sherloc (09022015). Collection method: clinical testing. Allele origin: germline.

Athena Diagnostics
Classification: Benign. Last evaluated: 2024-06-25. Review status: criteria provided, single submitter. Criteria: Athena Diagnostics Criteria. Collection method: clinical testing. Allele origin: unknown.

Mayo Clinic Laboratories, Mayo Clinic
Classification: Benign. Last evaluated: 2022-03-24. Review status: criteria provided, single submitter. Criteria: ACMG Guidelines, 2015. Collection method: clinical testing. Allele origin: germline. Observed: 8 variant alleles.

Illumina Laboratory Services, Illumina
Classification: Benign for Autosomal recessive ataxia due to ubiquinone deficiency. Last evaluated: 2018-01-13. Review status: criteria provided, single submitter. Criteria: ICSL Variant Classification Criteria 13 December 2019. Collection method: clinical testing. Allele origin: germline.
Comment: This variant was observed in the ICSL laboratory as part of a predisposition screen in an ostensibly healthy population. It had not been previously curated by ICSL or reported in the Human Gene Mutation Database (HGMD: prior to June 1st, 2018), and was therefore a candidate for classification through an automated scoring system. Utilizing variant allele frequency, disease prevalence and penetrance estimates, and inheritance mode, an automated score was calculated to assess if this variant is too frequent to cause the disease. Based on the score and internal cut-off values, a variant classified as benign is not then subjected to further curation. The score for this variant resulted in a classification of benign for this disease.

GeneDx
Classification: Benign. Last evaluated: 2014-12-03. Review status: criteria provided, single submitter. Criteria: GeneDx Variant Classification (06012015). Collection method: clinical testing. Allele origin: germline. Affected: yes.
Comment: This variant is considered likely benign or benign based on one or more of the following criteria: it is a conservative change, it occurs at a poorly conserved position in the protein, it is predicted to be benign by multiple in silico algorithms, and/or has population frequency not consistent with disease.